The following is an entry in ClinVar:

ClinVar aggregate classification (germline): Pathogenic. Review status: criteria provided, multiple submitters, no conflicts (2 of 4 stars). 2 submissions from 2 submitters: Pathogenic (2). Last evaluated 2023-09-04.

Conditions:
Hereditary nonpolyposis colorectal neoplasms. Identifiers: MedGen C0009405, MeSH D003123.
Hereditary cancer-predisposing syndrome. Also called: Tumor predisposition; Neoplastic Syndromes, Hereditary; Hereditary neoplastic syndrome; Hereditary Cancer Syndrome. Identifiers: Orphanet 140162, MedGen C0027672, MeSH D009386, MONDO:0015356.

Submissions (2):

Labcorp Genetics (formerly Invitae), Labcorp
Classification: Pathogenic for Hereditary nonpolyposis colorectal neoplasms. Last evaluated: 2023-09-04. Review status: criteria provided, single submitter. Criteria: Invitae Variant Classification Sherloc (09022015). Collection method: clinical testing. Allele origin: germline.
Comment: This sequence change creates a premature translational stop signal (p.Lys377Glufs*4) in the MSH6 gene. It is expected to result in an absent or disrupted protein product. Loss-of-function variants in MSH6 are known to be pathogenic (PMID: 18269114, 24362816). This variant is not present in population databases (gnomAD no frequency). This variant has not been reported in the literature in individuals affected with MSH6-related conditions. ClinVar contains an entry for this variant (Variation ID: 631344). For these reasons, this variant has been classified as Pathogenic.

Color Diagnostics, LLC DBA Color Health
Classification: Pathogenic for Hereditary cancer-predisposing syndrome. Last evaluated: 2020-03-30. Review status: criteria provided, single submitter. Criteria: ACMG Guidelines, 2015. Collection method: clinical testing. Allele origin: germline.
Comment: This variant deletes 2 nucleotides in exon 4 of the MSH6 gene, creating a frameshift and premature translation stop signal. This variant is expected to result in an absent or non-functional protein product. To our knowledge, this variant has not been reported in individuals affected with hereditary cancer in the literature. This variant has not been identified in the general population by the Genome Aggregation Database (gnomAD). Loss of MSH6 function is a known mechanism of disease. Based on the available evidence, this variant is classified as Pathogenic.

Literature cited by the submitters: PubMed 18269114 (cited by Labcorp Genetics (formerly Invitae), Labcorp); PubMed 24362816 (cited by Labcorp Genetics (formerly Invitae), Labcorp).

NM_000179.3(MSH6):c.1129_1130del (p.Lys377fs)

Gene: MSH6 (mutS homolog 6; plus strand). Cytogenetic location: 2p16.3.
Variant type: Deletion.
Coding change: c.1129_1130del on transcript NM_000179.3 (MANE Select); coding-DNA positions 1129 to 1130, 2 bases deleted (AA; older notation c.1129_1130delAA).
Protein change: p.Lys377fs; shifts the reading frame from lysine 377.
Molecular consequence: frameshift variant.
Genome position (GRCh38, 1-based): chr2:47,799,112-47,799,113, AA deleted; deleting any 2 consecutive bases within chr2:47,799,110-47,799,113 gives the same sequence; the c. name uses the placement nearest the transcript's 3' end. VCF-style (leftmost placement, unchanged base first): chr2-47799109-GAA-G. GRCh37 (hg19) VCF-style: chr2-48026248-GAA-G.
Other names: c.223_224del, p.Lys75fs (NM_001281494.2, NM_001281493.2); c.1129_1130delAA (NM_000179.2); c.739_740del, p.Lys247fs (NM_001281492.2); short protein forms K247fs, K377fs, K75fs.
Identifiers: ClinVar variation 631344 (VCV000631344.7), dbSNP rs1558660612, ClinGen allele CA913187961.